The following is an entry in ClinVar:

ClinVar aggregate classification (germline): Uncertain significance. Review status: criteria provided, multiple submitters, no conflicts (2 of 4 stars). 2 submissions from 2 submitters: Uncertain significance (2). Last evaluated 2023-01-31.

Conditions:
Hereditary nonpolyposis colorectal neoplasms. Identifiers: MedGen C0009405, MeSH D003123.
Hereditary cancer-predisposing syndrome. Also called: Hereditary Cancer Syndrome; Neoplastic Syndromes, Hereditary; Tumor predisposition; Hereditary neoplastic syndrome. Identifiers: Orphanet 140162, MedGen C0027672, MeSH D009386, MONDO:0015356.

Submissions (2):

Ambry Genetics
Classification: Uncertain significance for Hereditary cancer-predisposing syndrome. Last evaluated: 2023-01-31. Review status: criteria provided, single submitter. Criteria: Ambry Variant Classification Scheme 2023. Collection method: clinical testing. Allele origin: germline.
Comment: The p.G495R variant (also known as c.1483G>C), located in coding exon 11 of the PMS2 gene, results from a G to C substitution at nucleotide position 1483. The glycine at codon 495 is replaced by arginine, an amino acid with dissimilar properties. This amino acid position is highly conserved in available vertebrate species. In addition, the in silico prediction for this alteration is inconclusive. Since supporting evidence is limited at this time, the clinical significance of this alteration remains unclear.

Labcorp Genetics (formerly Invitae), Labcorp
Classification: Uncertain significance for Hereditary nonpolyposis colorectal neoplasms. Last evaluated: 2019-06-18. Review status: criteria provided, single submitter. Criteria: Invitae Variant Classification Sherloc (09022015). Collection method: clinical testing. Allele origin: germline.
Comment: In summary, the available evidence is currently insufficient to determine the role of this variant in disease. Therefore, it has been classified as a Variant of Uncertain Significance. Algorithms developed to predict the effect of missense changes on protein structure and function (SIFT, PolyPhen-2, Align-GVGD) all suggest that this variant is likely to be tolerated, but these predictions have not been confirmed by published functional studies and their clinical significance is uncertain. This variant has not been reported in the literature in individuals with PMS2-related conditions. ClinVar contains an entry for this variant (Variation ID: 480370). This variant is not present in population databases (ExAC no frequency). This sequence change replaces glycine with arginine at codon 495 of the PMS2 protein (p.Gly495Arg). The glycine residue is weakly conserved and there is a moderate physicochemical difference between glycine and arginine.

NM_000535.7(PMS2):c.1483G>C (p.Gly495Arg)

Gene: PMS2 (PMS1 homolog 2, mismatch repair system component; minus strand). Cytogenetic location: 7p22.1.
Variant type: single nucleotide variant.
Coding change: c.1483G>C on transcript NM_000535.7 (MANE Select); coding-DNA position 1483, G replaced by C.
Protein change: p.Gly495Arg; replaces glycine 495 with arginine.
Molecular consequence: missense variant. On other transcripts: non-coding transcript variant (1).
Genome position (GRCh38, 1-based): chr7:5,987,282, C>G on the plus strand (G>C on the coding strand, the complement: PMS2 is on the minus strand). VCF-style: chr7-5987282-C-G. GRCh37 (hg19) VCF-style: chr7-6026913-C-G.
Other names: c.1078G>C, p.Gly360Arg (NM_001322003.2, NM_001322004.2, NM_001322005.2 and 1 more transcripts); c.1327G>C, p.Gly443Arg (NM_001322006.2); c.1165G>C, p.Gly389Arg (NM_001322007.2, NM_001322008.2); c.922G>C, p.Gly308Arg (NM_001322010.2); c.550G>C, p.Gly184Arg (NM_001322011.2, NM_001322012.2); c.910G>C, p.Gly304Arg (NM_001322013.2); c.1483G>C, p.Gly495Arg (NM_001322014.2); c.1174G>C, p.Gly392Arg (NM_001322015.2); short protein forms G495R, G304R, G360R, G392R, G308R, G443R, G184R, G389R.
Identifiers: ClinVar variation 480370 (VCV000480370.15), dbSNP rs1554297701, ClinGen allele CA366741823.